The following is an entry in ClinVar:

ClinVar aggregate classification (germline): Pathogenic (1 of 4 stars; one submission).

Conditions:
Deficiency of hydroxymethylglutaryl-CoA lyase (HMGCLD). Also called: HMG-CoA LYASE DEFICIENCY; Defect in leucine metabolism; 3-hydroxy-3-methylglutaric aciduria; HMGCL DEFICIENCY; HYDROXYMETHYLGLUTARIC ACIDURIA. Identifiers: Orphanet 20, MedGen C1533587, MONDO:0009520, OMIM 246450.

Submission:

Labcorp Genetics (formerly Invitae), Labcorp
Classification: Pathogenic for Deficiency of hydroxymethylglutaryl-CoA lyase. Last evaluated: 2023-01-17. Review status: criteria provided, single submitter. Criteria: Invitae Variant Classification Sherloc (09022015). Collection method: clinical testing. Allele origin: unknown.
Comment: For these reasons, this variant has been classified as Pathogenic. This variant disrupts a region of the HMGCL protein in which other variant(s) (p.Arg41Gln) have been determined to be pathogenic (PMID: 9463337, 14518825, 17173698, 28488182). This suggests that this is a clinically significant region of the protein, and that variants that disrupt it are likely to be disease-causing. This variant has not been reported in the literature in individuals affected with HMGCL-related conditions. This variant is a gross deletion of the genomic region encompassing exon(s) 2 of the HMGCL gene. This variant would be expected to be in-frame, preserving the integrity of the reading frame.

Literature cited by the submitters: PubMed 9463337; PubMed 14518825; PubMed 17173698; PubMed 28488182.

NC_000001.10:g.(?_24146980)_(24147103_?)del

Gene: HMGCL (3-hydroxy-3-methylglutaryl-CoA lyase; minus strand). Cytogenetic location: 1p36.11.
Variant type: Deletion.
Identifiers: ClinVar variation 3247675 (VCV003247675.1).